The following is an entry in ClinVar:

ClinVar aggregate classification (germline): Uncertain significance (1 of 4 stars; one submission).

Conditions:
MSRA-related disorder. Also called: MSRA-related condition.

Allele frequency attached by ClinVar (database versions not stated): gnomAD exomes below 0.00001; gnomAD 0.00001.
gnomAD v4.1: 7 of 1,613,720 alleles (0.00043%); highest among the groups gnomAD compares: African/African-American, 0.004%; no homozygotes.

Submission:

PreventionGenetics, part of Exact Sciences
Classification: Uncertain significance for MSRA-related condition. Last evaluated: 2022-10-03. Review status: criteria provided, single submitter. Criteria: ACMG Guidelines, 2015. Collection method: clinical testing. Allele origin: germline.
Comment: The MSRA c.276A>G variant is not predicted to result in an amino acid change (p.=). To our knowledge, this variant has not been reported in the literature. This variant is reported in 0.0029% of alleles in individuals of Latino descent in gnomAD. At this time, the clinical significance of this variant is uncertain due to the absence of conclusive functional and genetic evidence.

NM_012331.5(MSRA):c.276A>G (p.Gln92=)

Gene: MSRA (methionine sulfoxide reductase A). Cytogenetic location: 8p23.1.
Variant type: single nucleotide variant.
Coding change: c.276A>G on transcript NM_012331.5 (MANE Select); coding-DNA position 276, A replaced by G.
Protein change: p.Gln92=; no amino-acid change (glutamine 92 retained).
Molecular consequence: synonymous variant. On other transcripts: intron variant (1).
Genome position (GRCh38, 1-based): chr8:10,245,168, A>G. VCF-style: chr8-10245168-A-G. GRCh37 (hg19) VCF-style: chr8-10102678-A-G.
Other names: c.147A>G, p.Gln49= (NM_001135671.3); c.78A>G, p.Gln26= (NM_001199729.3); c.211+37267A>G (NM_001135670.3).
Identifiers: ClinVar variation 2635008 (VCV002635008.1), dbSNP rs1171413366, ClinGen allele CA459544580.